The following is an entry in ClinVar:

ClinVar aggregate classification (germline): Likely benign (1 of 4 stars; one submission).

Conditions:
ENG-related disorder. Also called: ENG-related condition; ENG-related disorders.

Submission:

PreventionGenetics, part of Exact Sciences
Classification: Likely benign for ENG-related condition. Last evaluated: 2025-11-17. Review status: criteria provided, single submitter. Criteria: ACMG Guidelines, 2015. Collection method: clinical testing. Allele origin: germline.
Comment: This variant is classified as likely benign based on ACMG/AMP sequence variant interpretation guidelines (Richards et al. 2015 PMID: 25741868, with internal and published modifications).

NM_001114753.3(ENG):c.1311+3G>A

Genes: ENG (endoglin; minus strand), LOC102723566 (uncharacterized LOC102723566; plus strand). Cytogenetic location: 9q34.11.
Variant type: single nucleotide variant.
Coding change: c.1311+3G>A on transcript NM_001114753.3 (MANE Select); 3 bases into the intron after coding-DNA position 1311, G replaced by A.
Molecular consequence: intron variant.
Genome position (GRCh38, 1-based): chr9:127,819,619, C>T on the plus strand (G>A on the coding strand, the complement: ENG is on the minus strand). VCF-style: chr9-127819619-C-T. GRCh37 (hg19) VCF-style: chr9-130581898-C-T.
Other names: c.1311+3G>A (NM_000118.4); c.765+3G>A (NM_001278138.2).
Identifiers: ClinVar variation 4996701 (VCV004996701.1).